The following is an entry in ClinVar:

ClinVar aggregate classification (germline): Uncertain significance (1 of 4 stars; one submission).

Conditions:
Neuronopathy, distal hereditary motor, autosomal recessive 5. Also called: Spinal muscular atrophy, distal, autosomal recessive, 5; Young adult-onset distal hereditary motor neuropathy; NEUROPATHY, DISTAL HEREDITARY MOTOR, AUTOSOMAL RECESSIVE 5. Identifiers: Orphanet 314485, Orphanet 443950, MedGen C4749918, MONDO:0013947, OMIM 614881.

Allele frequency attached by ClinVar (database versions not stated): gnomAD 0.00001; gnomAD exomes 0.00001.

Submission:

Labcorp Genetics (formerly Invitae), Labcorp
Classification: Uncertain significance for Neuronopathy, distal hereditary motor, autosomal recessive 5. Last evaluated: 2023-05-26. Review status: criteria provided, single submitter. Criteria: Invitae Variant Classification Sherloc (09022015). Collection method: clinical testing. Allele origin: germline.
Comment: In summary, the available evidence is currently insufficient to determine the role of this variant in disease. Therefore, it has been classified as a Variant of Uncertain Significance. Advanced modeling of protein sequence and biophysical properties (such as structural, functional, and spatial information, amino acid conservation, physicochemical variation, residue mobility, and thermodynamic stability) performed at Invitae indicates that this missense variant is not expected to disrupt DNAJB2 protein function. This variant has not been reported in the literature in individuals affected with DNAJB2-related conditions. This variant is present in population databases (no rsID available, gnomAD 0.002%). This sequence change replaces proline, which is neutral and non-polar, with serine, which is neutral and polar, at codon 145 of the DNAJB2 protein (p.Pro145Ser).

NM_006736.6(DNAJB2):c.433C>T (p.Pro145Ser)

Gene: DNAJB2 (DnaJ heat shock protein family (Hsp40) member B2; plus strand). Cytogenetic location: 2q35.
Variant type: single nucleotide variant.
Coding change: c.433C>T on transcript NM_006736.6 (MANE Select); coding-DNA position 433, C replaced by T.
Protein change: p.Pro145Ser; replaces proline 145 with serine.
Molecular consequence: missense variant.
Genome position (GRCh38, 1-based): chr2:219,282,917, C>T. VCF-style: chr2-219282917-C-T. GRCh37 (hg19) VCF-style: chr2-220147639-C-T.
Other names: c.433C>T, p.Pro145Ser (NM_001039550.2); short protein forms P145S.
Identifiers: ClinVar variation 2726262 (VCV002726262.3), dbSNP rs1225864463, ClinGen allele CA350649901.